The following is an entry in ClinVar:

ClinVar aggregate classification (germline): Uncertain significance. Review status: criteria provided, multiple submitters, no conflicts (2 of 4 stars). 4 submissions from 3 submitters: Uncertain significance (4). Last evaluated 2025-10-27.

Conditions:
Cutis laxa, autosomal dominant 1 (ADCL1). Also called: ELN-Related Cutis Laxa. Identifiers: Orphanet 90348, MedGen C3276539, MONDO:0007411, OMIM 123700. Disease mechanism: Dominant Negative.
Supravalvar aortic stenosis (SVAS). Also called: Supravalvar aortic stenosis, Eisenberg type. Identifiers: Orphanet 3193, MedGen C0003499, MONDO:0008504, OMIM 185500, HP:0004381.

Allele frequency attached by ClinVar (database versions not stated): gnomAD exomes 0.00001; gnomAD 0.00002; TOPMed 0.00003.
gnomAD v4.1: 15 of 1,613,958 alleles (0.00093%); highest among the groups gnomAD compares: African/African-American, 0.008%; no homozygotes.

Submissions (4):

Labcorp Genetics (formerly Invitae), Labcorp
Classification: Uncertain significance for Supravalvar aortic stenosis. Last evaluated: 2025-10-27. Review status: criteria provided, single submitter. Criteria: Invitae Variant Classification Sherloc (09022015). Collection method: clinical testing. Allele origin: germline.
Comment: This sequence change falls in intron 2 of the ELN gene. It does not directly change the encoded amino acid sequence of the ELN protein. It affects a nucleotide within the consensus splice site. This variant is not present in population databases (gnomAD no frequency). This variant has not been reported in the literature in individuals affected with ELN-related conditions. ClinVar contains an entry for this variant (Variation ID: 568420). Variants that disrupt the consensus splice site are a relatively common cause of aberrant splicing (PMID: 17576681, 9536098). Algorithms developed to predict the effect of sequence changes on RNA splicing suggest that this variant is not likely to affect RNA splicing. In summary, the available evidence is currently insufficient to determine the role of this variant in disease. Therefore, it has been classified as a Variant of Uncertain Significance.

Women's Health and Genetics/Laboratory Corporation of America, LabCorp
Classification: Uncertain significance. Last evaluated: 2023-02-16. Review status: criteria provided, single submitter. Criteria: LabCorp Variant Classification Summary - May 2015. Collection method: clinical testing. Allele origin: germline.
Comment: Variant summary: ELN c.133+6G>A alters a non-conserved nucleotide located close to a canonical splice site and therefore could affect mRNA splicing, leading to a significantly altered protein sequence. 4/4 computational tools predict no significant impact on normal splicing. However, these predictions have yet to be confirmed by functional studies. The variant was absent in 251404 control chromosomes (gnomAD). The available data on variant occurrences in the general population are insufficient to allow any conclusion about variant significance. To our knowledge, no occurrence of c.133+6G>A in individuals affected with Supravalvar Aortic Stenosis and no experimental evidence demonstrating its impact on protein function have been reported. Two clinical diagnostic laboratories have submitted clinical-significance assessments for this variant to ClinVar after 2014 and classified the variant as uncertain significance. Based on the evidence outlined above, the variant was classified as uncertain significance.

Illumina Laboratory Services, Illumina
Classification: Uncertain significance for Cutis laxa, autosomal dominant 1. Last evaluated: 2018-01-13. Review status: criteria provided, single submitter. Criteria: ICSL Variant Classification Criteria 13 December 2019. Collection method: clinical testing. Allele origin: germline.

Illumina Laboratory Services, Illumina
Classification: Uncertain significance for Supravalvar aortic stenosis. Last evaluated: 2018-01-13. Review status: criteria provided, single submitter. Criteria: ICSL Variant Classification Criteria 13 December 2019. Collection method: clinical testing. Allele origin: germline.

Literature cited by the submitters: PubMed 17576681 (cited by Labcorp Genetics (formerly Invitae), Labcorp); PubMed 9536098 (cited by Labcorp Genetics (formerly Invitae), Labcorp).

NM_000501.4(ELN):c.133+6G>A

Gene: ELN (elastin; plus strand). Cytogenetic location: 7q11.23.
Variant type: single nucleotide variant.
Coding change: c.133+6G>A on transcript NM_000501.4 (MANE Select); 6 bases into the intron after coding-DNA position 133, G replaced by A.
Molecular consequence: intron variant.
Genome position (GRCh38, 1-based): chr7:74,035,420, G>A. VCF-style: chr7-74035420-G-A. GRCh37 (hg19) VCF-style: chr7-73449750-G-A.
Other names: c.133+6G>A (NM_001081754.3, NM_001081753.3, NM_001278939.2 and 9 more transcripts).
Identifiers: ClinVar variation 568420 (VCV000568420.13), dbSNP rs1216357938, ClinGen allele CA455875807.